The following is an entry in ClinVar:

ClinVar aggregate classification (germline): Uncertain significance. Review status: criteria provided, multiple submitters, no conflicts (2 of 4 stars). 2 submissions from 2 submitters: Uncertain significance (2). Last evaluated 2025-01-27.

Conditions:
Inborn genetic diseases. Identifiers: MedGen C0950123, MeSH D030342.

Allele frequency attached by ClinVar (database versions not stated): gnomAD exomes below 0.00001; ExAC 0.00002; gnomAD 0.00003; TOPMed 0.00003; ESP Exome Variant Server 0.00016.
gnomAD v4.1: 8 of 1,614,086 alleles (0.0005%); highest among the groups gnomAD compares: African/African-American, 0.011%; no homozygotes.

Submissions (2):

Ambry Genetics
Classification: Uncertain significance for Inborn genetic diseases. Last evaluated: 2025-01-27. Review status: criteria provided, single submitter. Criteria: Ambry Variant Classification Scheme 2023. Collection method: clinical testing. Allele origin: germline.

Labcorp Genetics (formerly Invitae), Labcorp
Classification: Uncertain significance. Last evaluated: 2022-01-03. Review status: criteria provided, single submitter. Criteria: Invitae Variant Classification Sherloc (09022015). Collection method: clinical testing. Allele origin: germline.
Comment: In summary, the available evidence is currently insufficient to determine the role of this variant in disease. Therefore, it has been classified as a Variant of Uncertain Significance. Algorithms developed to predict the effect of missense changes on protein structure and function output the following: SIFT: "Deleterious"; PolyPhen-2: "Benign"; Align-GVGD: "Class C0". The isoleucine amino acid residue is found in multiple mammalian species, which suggests that this missense change does not adversely affect protein function. This variant has not been reported in the literature in individuals affected with SPEG-related conditions. This variant is present in population databases (rs376768702, gnomAD 0.02%). This sequence change replaces valine, which is neutral and non-polar, with isoleucine, which is neutral and non-polar, at codon 1420 of the SPEG protein (p.Val1420Ile).

NM_005876.5(SPEG):c.4258G>A (p.Val1420Ile)

Gene: SPEG (striated muscle enriched protein kinase; plus strand). Cytogenetic location: 2q35.
Variant type: single nucleotide variant.
Coding change: c.4258G>A on transcript NM_005876.5 (MANE Select); coding-DNA position 4258, G replaced by A.
Protein change: p.Val1420Ile; replaces valine 1420 with isoleucine.
Molecular consequence: missense variant.
Genome position (GRCh38, 1-based): chr2:219,473,614, G>A. VCF-style: chr2-219473614-G-A. GRCh37 (hg19) VCF-style: chr2-220338336-G-A.
Other names: c.4258G>A (NM_005876.4); short protein forms V1420I.
Identifiers: ClinVar variation 1930917 (VCV001930917.6), dbSNP rs376768702, ClinGen allele CA2126442.